The following is an entry in ClinVar:

NM_000138.5(FBN1):c.2634C>T (p.Ser878=)

Gene: FBN1 (fibrillin 1; minus strand). Cytogenetic location: 15q21.1.
Variant type: single nucleotide variant.
Coding change: c.2634C>T on transcript NM_000138.5 (MANE Select); coding-DNA position 2634, C replaced by T.
Protein change: p.Ser878=; no amino-acid change (serine 878 retained).
Molecular consequence: synonymous variant.
Genome position (GRCh38, 1-based): chr15:48,495,166, G>A on the plus strand (C>T on the coding strand, the complement: FBN1 is on the minus strand). VCF-style: chr15-48495166-G-A. GRCh37 (hg19) VCF-style: chr15-48787363-G-A.
Identifiers: ClinVar variation 392509 (VCV000392509.8), dbSNP rs770395971, ClinGen allele CA048266.

ClinVar aggregate classification (germline): Likely benign. Review status: criteria provided, multiple submitters, no conflicts (2 of 4 stars). 4 submissions from 4 submitters: Likely benign (4). Last evaluated 2023-06-08.

Conditions:
Marfan syndrome (MFS). Also called: Marfan syndrome, classic; Marfan syndrome type 1; Marfan's syndrome; MARFAN SYNDROME, TYPE I; FBN1-Related Marfan Syndrome. Identifiers: Orphanet 284963, Orphanet 558, MedGen C0024796, MONDO:0007947, OMIM 154700.
Familial thoracic aortic aneurysm and aortic dissection (TAAD). Also called: Thoracic aortic aneurysms and dissections. Identifiers: Orphanet 91387, MedGen C4707243, MONDO:0019625.

Allele frequency attached by ClinVar (database versions not stated): ExAC 0.00002; gnomAD exomes below 0.00001 and 0.00001.
gnomAD v4.1: 6 of 1,614,164 alleles (0.00037%); highest among the groups gnomAD compares: South Asian, 0.0022%; no homozygotes.

Submissions (4):

All of Us Research Program, National Institutes of Health
Classification: Likely benign for Marfan syndrome. Last evaluated: 2023-06-08. Review status: criteria provided, single submitter. Criteria: ACMG Guidelines, 2015. Collection method: clinical testing. Allele origin: germline. Inheritance: Autosomal dominant inheritance. Observed: 1 variant allele, 1 heterozygote.
Comment: This study involves interpretation of variants in research participants for the purpose of population health screening. Participant phenotype was not available at the time of variant classification. Additional details can be found in publication PMID: 35346344, PMCID: PMC8962531

Labcorp Genetics (formerly Invitae), Labcorp
Classification: Likely benign for Marfan syndrome; Familial thoracic aortic aneurysm and aortic dissection. Last evaluated: 2022-07-20. Review status: criteria provided, single submitter. Criteria: Invitae Variant Classification Sherloc (09022015). Collection method: clinical testing. Allele origin: germline.

Color Diagnostics, LLC DBA Color Health
Classification: Likely benign for Familial thoracic aortic aneurysm and aortic dissection. Last evaluated: 2022-05-16. Review status: criteria provided, single submitter. Criteria: ACMG Guidelines, 2015. Collection method: clinical testing. Allele origin: germline.

GeneDx
Classification: Likely benign. Last evaluated: 2017-01-07. Review status: criteria provided, single submitter. Criteria: GeneDx Variant Classification (06012015). Collection method: clinical testing. Allele origin: germline. Affected: yes.
Comment: This variant is considered likely benign or benign based on one or more of the following criteria: it is a conservative change, it occurs at a poorly conserved position in the protein, it is predicted to be benign by multiple in silico algorithms, and/or has population frequency not consistent with disease.